The following is an entry in ClinVar:

NM_144687.4(NLRP12):c.2005A>G (p.Thr669Ala)

Gene: NLRP12 (NLR family pyrin domain containing 12; minus strand). Cytogenetic location: 19q13.42.
Variant type: single nucleotide variant.
Coding change: c.2005A>G on transcript NM_144687.4 (MANE Select); coding-DNA position 2005, A replaced by G.
Protein change: p.Thr669Ala; replaces threonine 669 with alanine.
Molecular consequence: missense variant.
Genome position (GRCh38, 1-based): chr19:53,809,654, T>C on the plus strand (A>G on the coding strand, the complement: NLRP12 is on the minus strand). VCF-style: chr19-53809654-T-C. GRCh37 (hg19) VCF-style: chr19-54312908-T-C.
Other names: c.2005A>G, p.Thr669Ala (NM_001277126.2, NM_001277129.1); short protein forms T669A.
Identifiers: ClinVar variation 1374255 (VCV001374255.8), dbSNP rs551922611, ClinGen allele CA310068529.

ClinVar aggregate classification (germline): Uncertain significance (1 of 4 stars; one submission).

Conditions:
Familial cold autoinflammatory syndrome 2 (FCAS2). Identifiers: Orphanet 247868, MedGen C2673198, MONDO:0012724, OMIM 611762.

Allele frequency attached by ClinVar (database versions not stated): TOPMed below 0.00001.

Submission:

Labcorp Genetics (formerly Invitae), Labcorp
Classification: Uncertain significance for Familial cold autoinflammatory syndrome 2. Last evaluated: 2022-05-30. Review status: criteria provided, single submitter. Criteria: Invitae Variant Classification Sherloc (09022015). Collection method: clinical testing. Allele origin: germline.
Comment: This sequence change replaces threonine, which is neutral and polar, with alanine, which is neutral and non-polar, at codon 669 of the NLRP12 protein (p.Thr669Ala). This variant is not present in population databases (gnomAD no frequency). This variant has not been reported in the literature in individuals affected with NLRP12-related conditions. ClinVar contains an entry for this variant (Variation ID: 1374255). Algorithms developed to predict the effect of missense changes on protein structure and function output the following: SIFT: "Tolerated"; PolyPhen-2: "Benign"; Align-GVGD: "Class C0". The alanine amino acid residue is found in multiple mammalian species, which suggests that this missense change does not adversely affect protein function. In summary, the available evidence is currently insufficient to determine the role of this variant in disease. Therefore, it has been classified as a Variant of Uncertain Significance.